The following is an entry in ClinVar:

NM_000135.4(FANCA):c.2524del (p.Ser842fs)

Gene: FANCA (FA complementation group A; minus strand). Cytogenetic location: 16q24.3.
Variant type: Deletion.
Coding change: c.2524del on transcript NM_000135.4 (MANE Select); coding-DNA position 2524, one base deleted (T; older notation c.2524delT).
Protein change: p.Ser842fs; shifts the reading frame from serine 842.
Molecular consequence: frameshift variant.
Genome position (GRCh38, 1-based): chr16:89,767,218, A deleted on the plus strand (T on the coding strand, the reverse complement: FANCA is on the minus strand); the first of 3 consecutive A bases (chr16:89,767,218-89,767,220); deleting any one gives the same sequence. VCF-style (leftmost placement, unchanged base first): chr16-89767217-GA-G. GRCh37 (hg19) VCF-style: chr16-89833625-GA-G.
Other names: c.2524del (LRG_495t1, NM_000135.2); c.2524del, p.Ser842fs (NM_001286167.3); short protein forms S842fs.
Identifiers: ClinVar variation 555088 (VCV000555088.13), dbSNP rs1205909298, ClinGen allele CA658824824.

ClinVar aggregate classification (germline): Pathogenic. Review status: criteria provided, multiple submitters, no conflicts (2 of 4 stars). 5 submissions from 5 submitters: Pathogenic (3). 2 of the submissions do not count toward it. Last evaluated 2026-01-18.

Conditions:
FANCA-related disorders.
Fanconi anemia (FA). Also called: Fanconi's anemia. Identifiers: Orphanet 84, MedGen C0015625, MeSH D005199, MONDO:0019391.
Fanconi anemia complementation group A (FANCA). Also called: Fanconi anemia, group A; FANCA-Related Fanconi Anemia. Identifiers: Orphanet 84, MedGen C3469521, MONDO:0009215, OMIM 227650.

Submissions (5):

Labcorp Genetics (formerly Invitae), Labcorp
Classification: Pathogenic for Fanconi anemia. Last evaluated: 2026-01-18. Review status: criteria provided, single submitter. Criteria: Invitae Variant Classification Sherloc (09022015). Collection method: clinical testing. Allele origin: germline.
Comment: This sequence change creates a premature translational stop signal (p.Ser842Leufs*47) in the FANCA gene. It is expected to result in an absent or disrupted protein product. Loss-of-function variants in FANCA are known to be pathogenic (PMID: 19367192). This variant is not present in population databases (gnomAD no frequency). This premature translational stop signal has been observed in individual(s) with Fanconi anemia (PMID: 9371798, 16397136, 19367192, 29098742). In at least one individual the data is consistent with being in trans (on the opposite chromosome) from a pathogenic variant. ClinVar contains an entry for this variant (Variation ID: 555088). For these reasons, this variant has been classified as Pathogenic.

Blueprint Genetics
Classification: Pathogenic for FANCA-related disorders. Last evaluated: 2022-07-08. Review status: criteria provided, single submitter. Criteria: ACMG Guidelines, 2015. Collection method: clinical testing. Allele origin: germline. Affected: yes. Observed: 2 variant alleles.

Fulgent Genetics
Classification: Pathogenic for Fanconi anemia complementation group A. Last evaluated: 2022-03-03. Review status: criteria provided, single submitter. Criteria: ACMG Guidelines, 2015. Collection method: clinical testing. Allele origin: unknown.

Leiden Open Variation Database
Classification: Pathogenic for Fanconi anemia complementation group A. Last evaluated: 2020-02-28. Review status: no assertion criteria provided. Collection method: curation. Allele origin: germline. Affected: yes. Not counted in ClinVar's aggregate classification.
Comment: Curator: Arleen D. Auerbach. Submitters to LOVD: Arleen D. Auerbach, Sue Richards.

Counsyl
Classification: Likely pathogenic for Fanconi anemia complementation group A. Last evaluated: 2017-11-22. Review status: no assertion criteria provided. Collection method: clinical testing. Allele origin: unknown. Not counted in ClinVar's aggregate classification.

Literature cited by the submitters: PubMed 19367192 (cited by Labcorp Genetics (formerly Invitae), Labcorp and Counsyl); PubMed 9371798 (cited by Labcorp Genetics (formerly Invitae), Labcorp and Counsyl); PubMed 16397136 (cited by Labcorp Genetics (formerly Invitae), Labcorp and Counsyl); PubMed 29098742 (cited by Labcorp Genetics (formerly Invitae), Labcorp).